The following is an entry in ClinVar:

ClinVar aggregate classification (germline): Likely benign (1 of 4 stars; one submission).

Conditions:
EPILEPSY, CHILDHOOD ABSENCE, SUSCEPTIBILITY TO, 2 (ECA2). Identifiers: Orphanet 64280, MedGen C1843244, OMIM 607681.

Allele frequency attached by ClinVar (database versions not stated): 1000 Genomes Project 30x 0.00062; 1000 Genomes Project 0.00080; TOPMed 0.00087.
gnomAD v4.1: 187 of 183,612 alleles (0.1%); highest among the groups gnomAD compares: Middle Eastern, 0.52%; 2 homozygotes.

Submission:

Illumina Laboratory Services, Illumina
Classification: Likely benign for Febrile seizures, familial, 8. Last evaluated: 2018-01-13. Review status: criteria provided, single submitter. Criteria: ICSL Variant Classification Criteria 13 December 2019. Collection method: clinical testing. Allele origin: germline.
Comment: This variant was observed in the ICSL laboratory as part of a predisposition screen in an ostensibly healthy population. It had not been previously curated by ICSL or reported in the Human Gene Mutation Database (HGMD: prior to June 1st, 2018), and was therefore a candidate for classification through an automated scoring system. Utilizing variant allele frequency, disease prevalence and penetrance estimates, and inheritance mode, an automated score was calculated to assess if this variant is too frequent to cause the disease. Based on the score and internal cut-off values, a variant classified as likely benign is not then subjected to further curation. The score for this variant resulted in a classification of likely benign for this disease.

NM_198904.4(GABRG2):c.*441T>C

Gene: GABRG2 (gamma-aminobutyric acid type A receptor subunit gamma2; plus strand). Cytogenetic location: 5q34.
Variant type: single nucleotide variant.
Coding change: c.*441T>C on transcript NM_198904.4 (MANE Select); 441 bases downstream of the stop codon, T replaced by C.
Molecular consequence: 3 prime UTR variant.
Genome position (GRCh38, 1-based): chr5:162,153,809, T>C. VCF-style: chr5-162153809-T-C. GRCh37 (hg19) VCF-style: chr5-161580815-T-C.
Other names: c.*441T>C (NM_000816.3, NM_001375339.1, NM_001375341.1 and 10 more transcripts); c.*703T>C (NM_001375340.1).
Identifiers: ClinVar variation 352654 (VCV000352654.5), dbSNP rs188825588, ClinGen allele CA10621220.